The following is an entry in ClinVar:

NM_018975.4(TERF2IP):c.779A>C (p.Glu260Ala)

Gene: TERF2IP (TERF2 interacting protein; plus strand). Cytogenetic location: 16q23.1.
Variant type: single nucleotide variant.
Coding change: c.779A>C on transcript NM_018975.4 (MANE Select); coding-DNA position 779, A replaced by C.
Protein change: p.Glu260Ala; replaces glutamic acid 260 with alanine.
Molecular consequence: missense variant. On other transcripts: non-coding transcript variant (1).
Genome position (GRCh38, 1-based): chr16:75,654,381, A>C. VCF-style: chr16-75654381-A-C. GRCh37 (hg19) VCF-style: chr16-75688279-A-C.
Other names: short protein forms E260A.
Identifiers: ClinVar variation 1760658 (VCV001760658.5), dbSNP rs201550635, ClinGen allele CA8178079.

ClinVar aggregate classification (germline): Uncertain significance. Review status: criteria provided, multiple submitters, no conflicts (2 of 4 stars). 2 submissions from 2 submitters: Uncertain significance (2). Last evaluated 2024-06-30.

Allele frequency attached by ClinVar (database versions not stated): ExAC 0.00001; gnomAD 0.00001; gnomAD exomes 0.00001.

Submissions (2):

Labcorp Genetics (formerly Invitae), Labcorp
Classification: Uncertain significance. Last evaluated: 2024-06-30. Review status: criteria provided, single submitter. Criteria: Invitae Variant Classification Sherloc (09022015). Collection method: clinical testing. Allele origin: germline.
Comment: This sequence change replaces glutamic acid, which is acidic and polar, with alanine, which is neutral and non-polar, at codon 260 of the TERF2IP protein (p.Glu260Ala). This variant is present in population databases (rs201550635, gnomAD 0.007%). This variant has not been reported in the literature in individuals affected with TERF2IP-related conditions. ClinVar contains an entry for this variant (Variation ID: 1760658). An algorithm developed to predict the effect of missense changes on protein structure and function (PolyPhen-2) suggests that this variant is likely to be tolerated. In summary, the available evidence is currently insufficient to determine the role of this variant in disease. Therefore, it has been classified as a Variant of Uncertain Significance.

Ambry Genetics
Classification: Uncertain significance. Last evaluated: 2024-04-01. Review status: criteria provided, single submitter. Criteria: Ambry Variant Classification Scheme 2023. Collection method: clinical testing. Allele origin: germline.
Comment: The p.E260A variant (also known as c.779A>C), located in coding exon 2 of the TERF2IP gene, results from an A to C substitution at nucleotide position 779. The glutamic acid at codon 260 is replaced by alanine, an amino acid with dissimilar properties. This amino acid position is conserved. In addition, this alteration is predicted to be tolerated by in silico analysis. Since supporting evidence is limited at this time, the clinical significance of this alteration remains unclear.